The following is an entry in ClinVar:

ClinVar aggregate classification (germline): Pathogenic (1 of 4 stars; one submission).

Submission:

Labcorp Genetics (formerly Invitae), Labcorp
Classification: Pathogenic. Last evaluated: 2024-02-24. Review status: criteria provided, single submitter. Criteria: Invitae Variant Classification Sherloc (09022015). Collection method: clinical testing. Allele origin: germline.
Comment: This sequence change creates a premature translational stop signal (p.Ser787*) in the CRB2 gene. It is expected to result in an absent or disrupted protein product. Loss-of-function variants in CRB2 are known to be pathogenic (PMID: 27942854, 30212996). This variant is not present in population databases (gnomAD no frequency). This variant has not been reported in the literature in individuals affected with CRB2-related conditions. ClinVar contains an entry for this variant (Variation ID: 1418242). For these reasons, this variant has been classified as Pathogenic.

Literature cited by the submitters: PubMed 27942854; PubMed 30212996.

NM_173689.7(CRB2):c.2360C>G (p.Ser787Ter)

Gene: CRB2 (crumbs cell polarity complex component 2; plus strand). Cytogenetic location: 9q33.3.
Variant type: single nucleotide variant.
Coding change: c.2360C>G on transcript NM_173689.7 (MANE Select); coding-DNA position 2360, C replaced by G.
Protein change: p.Ser787Ter; replaces serine 787 with a stop codon.
Molecular consequence: nonsense. On other transcripts: non-coding transcript variant (1).
Genome position (GRCh38, 1-based): chr9:123,371,502, C>G. VCF-style: chr9-123371502-C-G. GRCh37 (hg19) VCF-style: chr9-126133781-C-G.
Other names: short protein forms S787*.
Identifiers: ClinVar variation 1418242 (VCV001418242.6), dbSNP rs2132781188, ClinGen allele CA374865906.
Genomic context (GRCh38, chr9:123,371,502, plus strand): 5'-TCCAGGACCTGCGACTCGATGGCTGCCACCTCCCCTTCTTTCCTCTGCCACTGGATAACT[C>G]AAGCCAGCCCAGCGAGCTCGGCGGCAGGCAGTCCTGGAACCTCACTGCGGGCTGCGTCTC-3'